The following is an entry in ClinVar:

ClinVar aggregate classification (germline): Likely pathogenic (1 of 4 stars; one submission).

Conditions:
Hyaline fibromatosis syndrome (HFS). Also called: HYALINOSIS, SYSTEMIC; Hyalinosis, Inherited Systemic. Identifiers: Orphanet 2028, Orphanet 498474, MedGen C5574677, MONDO:0009229, OMIM 228600.

Submission:

Harry Perkins Institute Of Medical Research, University Of Western Australia
Classification: Likely pathogenic for Hyaline fibromatosis syndrome. Review status: criteria provided, single submitter. Criteria: ACMG Guidelines, 2015. Collection method: research, in vitro. Allele origin: maternal, not applicable. Inheritance: Autosomal recessive inheritance. Affected: yes. Observed: 1 compound heterozygote. Functional consequence: reduced protein expression, loss of function.
Comment: In silico prediction tools supported the pathogenicity of the missense variant (e.g., CADD score of 27.8, REVEL score of 0.731, predicted stability change ∆∆G of 3.11 suggesting a destabilising effect on protein structure). In silico splice prediction (SpliceAI) indicated that the intronic variant result in both acceptor loss and gain, predicted to generate a 12-base pair in-frame insertion in exon 4. i) cDNA studies on patient’s fibroblasts demonstrated heterozygous expression of the missense allele, suggesting that the intronic allele does not undergo nonsense-mediated decay, consistent with an in-frame event. RNA sequencing on the patient’s fibroblasts confirmed the predicted 12-base pair insertion. ii) Western blot analysis of transfected HEK293 cells overexpressing wild-type and mutant (Leu45Pro, Pro226Leu, c.297-13A>G) constructs demonstrated ANTXR2 protein misfolding in mutant constructs compared to wild-type, supporting a deleterious functional impact. iii) Immunofluorescence staining of transfected COS-1 cells overexpressing wild-type and mutant (Leu45Pro, Pro226Leu, c.297-13A>G) constructs showed endoplasmic reticulum retention profile of the mutant proteins compared to wild-type, supporting that misfolded proteins are stuck in the endoplasmic reticulum. iv) Western blot analysis of patient’s fibroblasts showed a reduction of ANTXR2 protein expression relative to the control fibroblast. Patient’s fibroblasts treated with MG132 (proteasome inhibitor) for 4 hours also showed a rescue of ANTXR2 protein expression, suggesting that the ANTXR2 protein in the patient fibroblast is partly degraded by proteasome due to misfolding. This variant is in trans with ANTXR2 c.297-13A>G

NM_058172.6(ANTXR2):c.677C>T (p.Pro226Leu)

Gene: ANTXR2 (ANTXR cell adhesion molecule 2; minus strand). Cytogenetic location: 4q21.21.
Variant type: single nucleotide variant.
Coding change: c.677C>T on transcript NM_058172.6 (MANE Select); coding-DNA position 677, C replaced by T.
Protein change: p.Pro226Leu; replaces proline 226 with leucine.
Molecular consequence: missense variant.
Genome position (GRCh38, 1-based): chr4:80,035,992, G>A on the plus strand (C>T on the coding strand, the complement: ANTXR2 is on the minus strand). VCF-style: chr4-80035992-G-A. GRCh37 (hg19) VCF-style: chr4-80957146-G-A.
Other names: c.677C>T, p.Pro226Leu (NM_001145794.2); c.446C>T, p.Pro149Leu (NM_001286780.2, NM_001286781.2); short protein forms P149L, P226L.
Identifiers: ClinVar variation 4857661 (VCV004857661.1).